The following is an entry in ClinVar:

ClinVar aggregate classification (germline): Uncertain significance (1 of 4 stars; one submission).

gnomAD v4.1: 1 of 1,613,020 alleles (0.000062%); highest among the groups gnomAD compares: Non-Finnish European, 0.000085%; no homozygotes.

Submission:

Labcorp Genetics (formerly Invitae), Labcorp
Classification: Uncertain significance. Last evaluated: 2025-11-18. Review status: criteria provided, single submitter. Criteria: Invitae Variant Classification Sherloc (09022015). Collection method: clinical testing. Allele origin: germline.
Comment: This sequence change replaces alanine, which is neutral and non-polar, with glycine, which is neutral and non-polar, at codon 1322 of the CACNA1D protein (p.Ala1322Gly). This variant is not present in population databases (gnomAD no frequency). This variant has not been reported in the literature in individuals affected with CACNA1D-related conditions. An algorithm developed to predict the effect of missense changes on protein structure and function (PolyPhen-2) suggests that this variant is likely to be tolerated. In summary, the available evidence is currently insufficient to determine the role of this variant in disease. Therefore, it has been classified as a Variant of Uncertain Significance.

NM_001128840.3(CACNA1D):c.3905C>G (p.Ala1302Gly)

Gene: CACNA1D (calcium voltage-gated channel subunit alpha1 D; plus strand). Cytogenetic location: 3p21.1.
Variant type: single nucleotide variant.
Coding change: c.3905C>G on transcript NM_001128840.3 (MANE Select); coding-DNA position 3905, C replaced by G.
Protein change: p.Ala1302Gly; replaces alanine 1302 with glycine.
Molecular consequence: missense variant. On other transcripts: intron variant (1).
Genome position (GRCh38, 1-based): chr3:53,770,007, C>G. VCF-style: chr3-53770007-C-G. GRCh37 (hg19) VCF-style: chr3-53804034-C-G.
Other names: c.3965C>G, p.Ala1322Gly (NM_000720.4); c.3871-417C>G (NM_001128839.3); short protein forms A1302G, A1322G.
Identifiers: ClinVar variation 4749736 (VCV004749736.1).